The following is an entry in ClinVar:

ClinVar aggregate classification (germline): Uncertain significance. Review status: criteria provided, multiple submitters, no conflicts (2 of 4 stars). 5 submissions from 5 submitters: Uncertain significance (5). Last evaluated 2025-10-30.

Conditions:
Hereditary cancer-predisposing syndrome. Also called: Hereditary neoplastic syndrome; Neoplastic Syndromes, Hereditary; Hereditary Cancer Syndrome; Tumor predisposition. Identifiers: Orphanet 140162, MedGen C0027672, MeSH D009386, MONDO:0015356.
Fanconi anemia complementation group J. Also called: BRIP1-Related Fanconi Anemia. Identifiers: Orphanet 84, MedGen C1836860, MONDO:0012187, OMIM 609054.
Familial cancer of breast. Also called: BREAST CANCER, FAMILIAL; hereditary breast carcinoma; Hereditary breast cancer. Identifiers: Orphanet 227535, MedGen C0346153, MONDO:0016419, OMIM 114480. Disease mechanism: loss of function.
Breast and/or ovarian cancer. Identifiers: MedGen CN221562.

Submissions (5):

Labcorp Genetics (formerly Invitae), Labcorp
Classification: Uncertain significance for Familial cancer of breast; Fanconi anemia complementation group J. Last evaluated: 2025-10-30. Review status: criteria provided, single submitter. Criteria: Invitae Variant Classification Sherloc (09022015). Collection method: clinical testing. Allele origin: germline.
Comment: This sequence change replaces aspartic acid, which is acidic and polar, with tyrosine, which is neutral and polar, at codon 1138 of the BRIP1 protein (p.Asp1138Tyr). Information on the frequency of this variant in the gnomAD database is not available, as this variant may be reported differently in the database. This missense change has been observed in individual(s) with breast cancer (PMID: 24113346, 35534704). ClinVar contains an entry for this variant (Variation ID: 570962). Experimental studies and prediction algorithms are not available or were not evaluated, and the functional significance of this variant is currently unknown. In summary, the available evidence is currently insufficient to determine the role of this variant in disease. Therefore, it has been classified as a Variant of Uncertain Significance.

Ambry Genetics
Classification: Uncertain significance for Hereditary cancer-predisposing syndrome. Last evaluated: 2024-04-29. Review status: criteria provided, single submitter. Criteria: Ambry Variant Classification Scheme 2023. Collection method: clinical testing. Allele origin: germline.
Comment: The c.3411_3412delTGinsCT variant (also known as p.D1138Y), located in coding exon 19 of the BRIP1 gene, results from an in-frame deletion of TG and insertion of CT at nucleotide positions 3411 to 3412. This results in the substitution of the aspartic acid residue for a tyrosine residue at codon 1138, an amino acid with highly dissimilar properties. This amino acid position is highly conserved in available vertebrate species. In addition, the in silico prediction for this alteration is inconclusive (Choi Y et al. PLoS ONE. 2012; 7(10):e46688). Since supporting evidence is limited at this time, the clinical significance of this alteration remains unclear.

CHEO Genetics Diagnostic Laboratory, Children's Hospital of Eastern Ontario
Classification: Uncertain significance for Breast and/or ovarian cancer. Last evaluated: 2023-05-23. Review status: criteria provided, single submitter. Criteria: ACMG Guidelines, 2015. Collection method: clinical testing. Allele origin: germline.

Women's Health and Genetics/Laboratory Corporation of America, LabCorp
Classification: Uncertain significance. Last evaluated: 2022-07-21. Review status: criteria provided, single submitter. Criteria: LabCorp Variant Classification Summary - May 2015. Collection method: clinical testing. Allele origin: germline.
Comment: Variant summary: BRIP1 c.3411_3412delinsCT (p.Asp1138Tyr) results in a non-conservative amino acid change in the encoded protein sequence. Four of five in-silico tools predict a damaging effect of the variant on protein function. The variant allele was found at a frequency of at least 5.3e-05 in 150918 control chromosomes (gnomAD v3.1.2). The available data on variant occurrences in the general population are insufficient to allow any conclusion about variant significance. p.Asp1138Tyr has been reported in the literature in individuals being tested for or affected with cancer, including Lynch syndrome and Hereditary Breast And Ovarian Cancer Syndrome (e.g. Mauer_2013, Lu_2015, Yurgelun_2015). These reports do not provide unequivocal conclusions about association of the variant with Hereditary Breast And Ovarian Cancer Syndrome. To our knowledge, no experimental evidence demonstrating an impact on protein function has been reported. Two ClinVar submitters (evaluation after 2014) cite the variant as uncertain significance. Based on the evidence outlined above, the variant was classified as uncertain significance.

Color Diagnostics, LLC DBA Color Health
Classification: Uncertain significance for Hereditary cancer-predisposing syndrome. Last evaluated: 2019-05-02. Review status: criteria provided, single submitter. Criteria: ACMG Guidelines, 2015. Collection method: clinical testing. Allele origin: germline.

Literature cited by the submitters: PubMed 24113346 (cited by Labcorp Genetics (formerly Invitae), Labcorp and Women's Health and Genetics/Laboratory Corporation of America, LabCorp); PubMed 35534704 (cited by Labcorp Genetics (formerly Invitae), Labcorp); PubMed 25980754 (cited by Women's Health and Genetics/Laboratory Corporation of America, LabCorp); PubMed 26689913 (cited by Women's Health and Genetics/Laboratory Corporation of America, LabCorp).

NM_032043.3(BRIP1):c.3411_3412delinsCT (p.Asp1138Tyr)

Gene: BRIP1 (BRCA1 interacting DNA helicase 1; minus strand). Cytogenetic location: 17q23.2.
Variant type: Indel.
Coding change: c.3411_3412delinsCT on transcript NM_032043.3 (MANE Select); coding-DNA positions 3411 to 3412, TG replaced by CT.
Protein change: p.Asp1138Tyr; replaces aspartic acid 1138 with tyrosine.
Molecular consequence: missense variant.
Genome position (GRCh38, 1-based): chr17:61,683,634-61,683,635, CA replaced by AG on the plus strand (TG replaced by CT on the coding strand, the reverse complement: BRIP1 is on the minus strand). VCF-style: chr17-61683634-CA-AG. GRCh37 (hg19) VCF-style: chr17-59760995-CA-AG.
Other names: c.3411_3412delTGinsCT (NM_032043.2); short protein forms D1138Y.
Identifiers: ClinVar variation 570962 (VCV000570962.18), dbSNP rs1555572620, ClinGen allele CA891843743.